The following is an entry in ClinVar:

NM_000062.3(SERPING1):c.110T>C (p.Leu37Ser)

Gene: SERPING1 (serpin family G member 1; plus strand). Cytogenetic location: 11q12.1.
Variant type: single nucleotide variant.
Coding change: c.110T>C on transcript NM_000062.3 (MANE Select); coding-DNA position 110, T replaced by C.
Protein change: p.Leu37Ser; replaces leucine 37 with serine.
Molecular consequence: missense variant.
Genome position (GRCh38, 1-based): chr11:57,599,937, T>C. VCF-style: chr11-57599937-T-C. GRCh37 (hg19) VCF-style: chr11-57367410-T-C.
Other names: c.110T>C, p.Leu37Ser (NM_001032295.2); short protein forms L37S.
Identifiers: ClinVar variation 4705854 (VCV004705854.1).

ClinVar aggregate classification (germline): Uncertain significance (1 of 4 stars; one submission).

gnomAD v4.1: 3 of 1,614,208 alleles (0.00019%); highest among the groups gnomAD compares: Non-Finnish European, 0.00025%; no homozygotes.

Submission:

Labcorp Genetics (formerly Invitae), Labcorp
Classification: Uncertain significance. Last evaluated: 2025-06-04. Review status: criteria provided, single submitter. Criteria: Invitae Variant Classification Sherloc (09022015). Collection method: clinical testing. Allele origin: germline.
Comment: This sequence change replaces leucine, which is neutral and non-polar, with serine, which is neutral and polar, at codon 37 of the SERPING1 protein (p.Leu37Ser). This variant is present in population databases (no rsID available, gnomAD 0.0009%). This variant has not been reported in the literature in individuals affected with SERPING1-related conditions. Invitae Evidence Modeling of protein sequence and biophysical properties (such as structural, functional, and spatial information, amino acid conservation, physicochemical variation, residue mobility, and thermodynamic stability) indicates that this missense variant is not expected to disrupt SERPING1 protein function with a negative predictive value of 95%. In summary, the available evidence is currently insufficient to determine the role of this variant in disease. Therefore, it has been classified as a Variant of Uncertain Significance.